The following is an entry in ClinVar:

ClinVar aggregate classification (germline): Conflicting classifications of pathogenicity. Review status: criteria provided, conflicting classifications (1 of 4 stars). 5 submissions from 5 submitters: Uncertain significance (3); Likely benign (2). Last evaluated 2024-11-11.

Conditions:
Hereditary pulmonary alveolar proteinosis. Also called: Pulmonary surfactant metabolism dysfunction. Identifiers: Orphanet 264675, MedGen C3711368, MONDO:0012580.
Interstitial lung disease due to ABCA3 deficiency. Also called: PULMONARY ALVEOLAR PROTEINOSIS, CONGENITAL, 3. Identifiers: Orphanet 440402, MedGen C1970456, MONDO:0012582, OMIM 610921.

Allele frequency attached by ClinVar (database versions not stated): ESP Exome Variant Server 0.00008; gnomAD 0.00008 and 0.00009; TOPMed 0.00012; gnomAD exomes 0.00021; 1000 Genomes Project 30x 0.00031; ExAC 0.00035.
gnomAD v4.1: 189 of 1,595,790 alleles (0.012%); highest among the groups gnomAD compares: Middle Eastern, 0.3%; 1 homozygote.

Submissions (5):

Blueprint Genetics
Classification: Uncertain significance. Last evaluated: 2024-11-11. Review status: criteria provided, single submitter. Criteria: ACMG Guidelines, 2015. Collection method: clinical testing. Allele origin: germline.

Labcorp Genetics (formerly Invitae), Labcorp
Classification: Uncertain significance. Last evaluated: 2024-09-09. Review status: criteria provided, single submitter. Criteria: Invitae Variant Classification Sherloc (09022015). Collection method: clinical testing. Allele origin: germline.
Comment: This sequence change replaces alanine, which is neutral and non-polar, with valine, which is neutral and non-polar, at codon 149 of the ABCA3 protein (p.Ala149Val). This variant is present in population databases (rs145483014, gnomAD 0.2%). This missense change has been observed in individual(s) with childhood interstitial lung disease (PMID: 35034192). ClinVar contains an entry for this variant (Variation ID: 816671). An algorithm developed to predict the effect of missense changes on protein structure and function (PolyPhen-2) suggests that this variant¬†is likely to be tolerated. In summary, the available evidence is currently insufficient to determine the role of this variant in disease. Therefore, it has been classified as a Variant of Uncertain Significance.

CeGaT Center for Human Genetics Tuebingen
Classification: Likely benign. Last evaluated: 2024-06-01. Review status: criteria provided, single submitter. Criteria: CeGaT Center For Human Genetics Tuebingen Variant Classification Criteria Version 2. Collection method: clinical testing. Allele origin: germline. Affected: yes. Observed: 2 variant alleles.
Comment: ABCA3: BP4

Ambry Genetics
Classification: Uncertain significance for Hereditary pulmonary alveolar proteinosis. Last evaluated: 2021-04-14. Review status: criteria provided, single submitter. Criteria: Ambry Variant Classification Scheme 2023. Collection method: clinical testing. Allele origin: germline.
Comment: The p.A149V variant (also known as c.446C>T), located in coding exon 3 of the ABCA3 gene, results from a C to T substitution at nucleotide position 446. The alanine at codon 149 is replaced by valine, an amino acid with similar properties. This variant was identified in one individual with severe respiratory disease with diffuse patchy ground-glass opacification and interlobular septal thickening on the chest CT; a second ABCA3 variant was not identified (Alsamri MT et al. Sci Rep, 2021 Feb;11:2715). It was also identified in one individual with asthma; however, the variant was not evaluated further in the study (B&aelig;kvad-Hansen M et al. Respir. Res., 2012 Aug;13:67). This amino acid position is not well conserved in available vertebrate species. In addition, the in silico prediction for this alteration is inconclusive. Since supporting evidence is limited at this time, the clinical significance of this alteration remains unclear.

Johns Hopkins Genomics, Johns Hopkins University
Classification: Likely benign for Interstitial lung disease due to ABCA3 deficiency. Last evaluated: 2019-09-20. Review status: criteria provided, single submitter. Criteria: ACMG Guidelines, 2015. Collection method: clinical testing. Allele origin: germline.

Literature cited by the submitters: PubMed 35034192 (cited by Labcorp Genetics (formerly Invitae), Labcorp); PubMed 22866751 (cited by Ambry Genetics); PubMed 33526882 (cited by Ambry Genetics).

NM_001089.3(ABCA3):c.446C>T (p.Ala149Val)

Gene: ABCA3 (ATP binding cassette subfamily A member 3; minus strand). Cytogenetic location: 16p13.3.
Variant type: single nucleotide variant.
Coding change: c.446C>T on transcript NM_001089.3 (MANE Select); coding-DNA position 446, C replaced by T.
Protein change: p.Ala149Val; replaces alanine 149 with valine.
Molecular consequence: missense variant.
Genome position (GRCh38, 1-based): chr16:2,324,405, G>A on the plus strand (C>T on the coding strand, the complement: ABCA3 is on the minus strand). VCF-style: chr16-2324405-G-A. GRCh37 (hg19) VCF-style: chr16-2374406-G-A.
Other names: c.446C>T (NM_001089.2); short protein forms A149V.
Identifiers: ClinVar variation 816671 (VCV000816671.33), dbSNP rs145483014, ClinGen allele CA7841667.